The following is an entry in ClinVar:

ClinVar aggregate classification (germline): Uncertain significance (1 of 4 stars; one submission).

Conditions:
Atrial fibrillation, familial, 7 (ATFB7). Identifiers: MedGen C2677106, MONDO:0012828, OMIM 612240.

Submission:

Labcorp Genetics (formerly Invitae), Labcorp
Classification: Uncertain significance for Atrial fibrillation, familial, 7. Last evaluated: 2025-08-05. Review status: criteria provided, single submitter. Criteria: Invitae Variant Classification Sherloc (09022015). Collection method: clinical testing. Allele origin: germline.
Comment: This sequence change replaces alanine, which is neutral and non-polar, with threonine, which is neutral and polar, at codon 345 of the KCNA5 protein (p.Ala345Thr). This variant is present in population databases (no rsID available, gnomAD 0.0009%). This variant has not been reported in the literature in individuals affected with KCNA5-related conditions. Invitae Evidence Modeling of protein sequence and biophysical properties (such as structural, functional, and spatial information, amino acid conservation, physicochemical variation, residue mobility, and thermodynamic stability) indicates that this missense variant is not expected to disrupt KCNA5 protein function with a negative predictive value of 80%. In summary, the available evidence is currently insufficient to determine the role of this variant in disease. Therefore, it has been classified as a Variant of Uncertain Significance.

NM_002234.4(KCNA5):c.1033G>A (p.Ala345Thr)

Gene: KCNA5 (potassium voltage-gated channel subfamily A member 5; plus strand). Cytogenetic location: 12p13.32.
Variant type: single nucleotide variant.
Coding change: c.1033G>A on transcript NM_002234.4 (MANE Select); coding-DNA position 1033, G replaced by A.
Protein change: p.Ala345Thr; replaces alanine 345 with threonine.
Molecular consequence: missense variant.
Genome position (GRCh38, 1-based): chr12:5,045,180, G>A. VCF-style: chr12-5045180-G-A. GRCh37 (hg19) VCF-style: chr12-5154346-G-A.
Other names: short protein forms A345T.
Identifiers: ClinVar variation 4750620 (VCV004750620.1).
Genomic context (GRCh38, chr12:5,045,180, plus strand): 5'-TTCATCGTGGAGACCACGTGCGTCATCTGGTTCACCTTCGAGCTGCTCGTGCGCTTCTTC[G>A]CCTGCCCCAGCAAGGCAGGGTTCTCCCGGAACATCATGAACATCATCGATGTGGTGGCCA-3'
Protein context (NP_002225.2, residues 335-355): FTFELLVRFF[Ala345Thr]CPSKAGFSRN